The following is an entry in ClinVar:

ClinVar aggregate classification (germline): Uncertain significance (1 of 4 stars; one submission).

Conditions:
Inborn genetic diseases. Identifiers: MedGen C0950123, MeSH D030342.

Submission:

Ambry Genetics
Classification: Uncertain significance for Inborn genetic diseases. Last evaluated: 2025-03-05. Review status: criteria provided, single submitter. Criteria: Ambry Variant Classification Scheme 2023. Collection method: clinical testing. Allele origin: germline.
Comment: The p.G562E variant (also known as c.1685G>A), located in coding exon 18 of the FANCA gene, results from a G to A substitution at nucleotide position 1685. The glycine at codon 562 is replaced by glutamic acid, an amino acid with similar properties. This amino acid position is conserved. In addition, this alteration is predicted to be deleterious by in silico analysis. Based on the available evidence, the clinical significance of this variant remains unclear.

NM_000135.4(FANCA):c.1685G>A (p.Gly562Glu)

Gene: FANCA (FA complementation group A; minus strand). Cytogenetic location: 16q24.3.
Variant type: single nucleotide variant.
Coding change: c.1685G>A on transcript NM_000135.4 (MANE Select); coding-DNA position 1685, G replaced by A.
Protein change: p.Gly562Glu; replaces glycine 562 with glutamic acid.
Molecular consequence: missense variant.
Genome position (GRCh38, 1-based): chr16:89,779,899, C>T on the plus strand (G>A on the coding strand, the complement: FANCA is on the minus strand). VCF-style: chr16-89779899-C-T. GRCh37 (hg19) VCF-style: chr16-89846307-C-T.
Other names: c.1685G>A, p.Gly562Glu (NM_001286167.3); short protein forms G562E.
Identifiers: ClinVar variation 3848287 (VCV003848287.1).